The following is an entry in ClinVar:

NM_025137.4(SPG11):c.3736_3746del (p.His1246fs)

Gene: SPG11 (SPG11 vesicle trafficking associated, spatacsin; minus strand). Cytogenetic location: 15q21.1.
Variant type: Deletion.
Coding change: c.3736_3746del on transcript NM_025137.4 (MANE Select); coding-DNA positions 3736 to 3746, 11 bases deleted (CACATACCTTC).
Protein change: p.His1246fs; shifts the reading frame from histidine 1246.
Molecular consequence: frameshift variant.
Genome position (GRCh38, 1-based): chr15:44,598,777-44,598,787, GAAGGTATGTG deleted on the plus strand (CACATACCTTC on the coding strand, the reverse complement: SPG11 is on the minus strand); deleting any 11 consecutive bases within chr15:44,598,777-44,598,792 gives the same sequence; the c. name uses the placement nearest the transcript's 3' end. VCF-style (leftmost placement, unchanged base first): chr15-44598776-TGAAGGTATGTG-T. GRCh37 (hg19) VCF-style: chr15-44890974-TGAAGGTATGTG-T.
Other names: c.3736_3746del, p.His1246fs (NM_001160227.2); short protein forms H1246fs.
Identifiers: ClinVar variation 1457718 (VCV001457718.6), dbSNP rs2140978275, ClinGen allele CA2573151004.

ClinVar aggregate classification (germline): Pathogenic (1 of 4 stars; one submission).

Conditions:
Hereditary spastic paraplegia 11. Also called: Spastic Paraplegia 11; Nakamura Osame syndrome; Autosomal recessive hereditary spastic paraplegia, mental impairment, and thin corpus callosum; SPASTIC PARAPLEGIA, AUTOSOMAL RECESSIVE, COMPLICATED, WITH THIN CORPUS CALLOSUM; SPASTIC PARAPLEGIA, AUTOSOMAL RECESSIVE, WITH MENTAL IMPAIRMENT AND THIN CORPUS CALLOSUM; Spastic paraplegia, mental retardation and thin corpus callosum. Identifiers: Orphanet 2822, MedGen C1858479, MONDO:0011445, OMIM 604360.

Submission:

Labcorp Genetics (formerly Invitae), Labcorp
Classification: Pathogenic for Hereditary spastic paraplegia 11. Last evaluated: 2022-02-24. Review status: criteria provided, single submitter. Criteria: Invitae Variant Classification Sherloc (09022015). Collection method: clinical testing. Allele origin: germline.
Comment: For these reasons, this variant has been classified as Pathogenic. This variant has not been reported in the literature in individuals affected with SPG11-related conditions. This variant is not present in population databases (gnomAD no frequency). This sequence change creates a premature translational stop signal (p.His1246Asnfs*15) in the SPG11 gene. It is expected to result in an absent or disrupted protein product. Loss-of-function variants in SPG11 are known to be pathogenic (PMID: 19105190, 20110243, 22154821, 26556829).

Literature cited by the submitters: PubMed 19105190; PubMed 20110243; PubMed 22154821; PubMed 26556829.